The following is an entry in ClinVar:

NM_182746.3(MCM4):c.2170C>T (p.Arg724Trp)

Gene: MCM4 (minichromosome maintenance complex component 4; plus strand). Cytogenetic location: 8q11.21.
Variant type: single nucleotide variant.
Coding change: c.2170C>T on transcript NM_182746.3 (MANE Select); coding-DNA position 2170, C replaced by T.
Protein change: p.Arg724Trp; replaces arginine 724 with tryptophan.
Molecular consequence: missense variant.
Genome position (GRCh38, 1-based): chr8:47,974,767, C>T. VCF-style: chr8-47974767-C-T. GRCh37 (hg19) VCF-style: chr8-48887327-C-T.
Other names: c.2170C>T, p.Arg724Trp (NM_005914.4); c.2170C>T (NM_005914.3); short protein forms R724W.
Identifiers: ClinVar variation 1471766 (VCV001471766.4), dbSNP rs201708189, ClinGen allele CA4742841.

ClinVar aggregate classification (germline): Uncertain significance. Review status: criteria provided, multiple submitters, no conflicts (2 of 4 stars). 2 submissions from 2 submitters: Uncertain significance (2). Last evaluated 2023-09-22.

Allele frequency attached by ClinVar (database versions not stated): gnomAD 0.00002; TOPMed 0.00003; ExAC 0.00005; ESP Exome Variant Server 0.00008.

Submissions (2):

Ambry Genetics
Classification: Uncertain significance. Last evaluated: 2023-09-22. Review status: criteria provided, single submitter. Criteria: Ambry Variant Classification Scheme 2023. Collection method: clinical testing. Allele origin: germline.

Labcorp Genetics (formerly Invitae), Labcorp
Classification: Uncertain significance. Last evaluated: 2022-10-24. Review status: criteria provided, single submitter. Criteria: Invitae Variant Classification Sherloc (09022015). Collection method: clinical testing. Allele origin: germline.
Comment: This sequence change replaces arginine, which is basic and polar, with tryptophan, which is neutral and slightly polar, at codon 724 of the MCM4 protein (p.Arg724Trp). This variant is present in population databases (rs201708189, gnomAD 0.01%). This variant has not been reported in the literature in individuals affected with MCM4-related conditions. ClinVar contains an entry for this variant (Variation ID: 1471766). Advanced modeling of protein sequence and biophysical properties (such as structural, functional, and spatial information, amino acid conservation, physicochemical variation, residue mobility, and thermodynamic stability) performed at Invitae indicates that this missense variant is expected to disrupt MCM4 protein function. In summary, the available evidence is currently insufficient to determine the role of this variant in disease. Therefore, it has been classified as a Variant of Uncertain Significance.